The following is an entry in ClinVar:

ClinVar aggregate classification (germline): Pathogenic (1 of 4 stars; one submission).

Conditions:
Familial meningioma. Also called: Meningioma, familial, susceptibility to. Identifiers: Orphanet 263662, MedGen C3551915, MONDO:0011789, OMIM 607174.

Submission:

Labcorp Genetics (formerly Invitae), Labcorp
Classification: Pathogenic for Familial meningioma. Last evaluated: 2019-10-28. Review status: criteria provided, single submitter. Criteria: Invitae Variant Classification Sherloc (09022015). Collection method: clinical testing. Allele origin: germline.
Comment: This sequence change creates a premature translational stop signal (p.Glu114*) in the SMARCE1 gene. It is expected to result in an absent or disrupted protein product. This variant is not present in population databases (ExAC no frequency). This variant has not been reported in the literature in individuals with SMARCE1-related conditions. Loss-of-function variants in SMARCE1 are known to be pathogenic (PMID: 23377182). For these reasons, this variant has been classified as Pathogenic.

Literature cited by the submitters: PubMed 23377182.

NM_003079.5(SMARCE1):c.340G>T (p.Glu114Ter)

Gene: SMARCE1 (SWI/SNF related BAF chromatin remodeling complex subunit E1; minus strand). Cytogenetic location: 17q21.2.
Variant type: single nucleotide variant.
Coding change: c.340G>T on transcript NM_003079.5 (MANE Select); coding-DNA position 340, G replaced by T.
Protein change: p.Glu114Ter; replaces glutamic acid 114 with a stop codon.
Molecular consequence: nonsense.
Genome position (GRCh38, 1-based): chr17:40,636,424, C>A on the plus strand (G>T on the coding strand, the complement: SMARCE1 is on the minus strand). VCF-style: chr17-40636424-C-A. GRCh37 (hg19) VCF-style: chr17-38792676-C-A.
Other names: short protein forms E114*.
Identifiers: ClinVar variation 953673 (VCV000953673.7), dbSNP rs2037146773, ClinGen allele CA399367060.